The following is an entry in ClinVar:

ClinVar aggregate classification (germline): Uncertain significance. Review status: criteria provided, multiple submitters, no conflicts (2 of 4 stars). 2 submissions from 2 submitters: Uncertain significance (2). Last evaluated 2025-11-10.

Conditions:
Inborn genetic diseases. Identifiers: MedGen C0950123, MeSH D030342.

Allele frequency attached by ClinVar (database versions not stated): ExAC 0.00004; gnomAD exomes 0.00004 and 0.00008; TOPMed 0.00008; gnomAD 0.00009; ESP Exome Variant Server 0.00015.
gnomAD v4.1: 137 of 1,614,048 alleles (0.0085%); highest among the groups gnomAD compares: Non-Finnish European, 0.01%; no homozygotes.

Submissions (2):

Labcorp Genetics (formerly Invitae), Labcorp
Classification: Uncertain significance. Last evaluated: 2025-11-10. Review status: criteria provided, single submitter. Criteria: Invitae Variant Classification Sherloc (09022015). Collection method: clinical testing. Allele origin: germline.
Comment: This sequence change replaces isoleucine, which is neutral and non-polar, with lysine, which is basic and polar, at codon 316 of the ORC1 protein (p.Ile316Lys). This variant is present in population databases (rs148708406, gnomAD 0.009%). This variant has not been reported in the literature in individuals affected with ORC1-related conditions. ClinVar contains an entry for this variant (Variation ID: 1381417). Invitae Evidence Modeling of protein sequence and biophysical properties (such as structural, functional, and spatial information, amino acid conservation, physicochemical variation, residue mobility, and thermodynamic stability) indicates that this missense variant is not expected to disrupt ORC1 protein function with a negative predictive value of 80%. In summary, the available evidence is currently insufficient to determine the role of this variant in disease. Therefore, it has been classified as a Variant of Uncertain Significance.

Ambry Genetics
Classification: Uncertain significance for Inborn genetic diseases. Last evaluated: 2024-05-15. Review status: criteria provided, single submitter. Criteria: Ambry Variant Classification Scheme 2023. Collection method: clinical testing. Allele origin: germline.

NM_004153.4(ORC1):c.947T>A (p.Ile316Lys)

Gene: ORC1 (origin recognition complex subunit 1; minus strand). Cytogenetic location: 1p32.3.
Variant type: single nucleotide variant.
Coding change: c.947T>A on transcript NM_004153.4 (MANE Select); coding-DNA position 947, T replaced by A.
Protein change: p.Ile316Lys; replaces isoleucine 316 with lysine.
Molecular consequence: missense variant.
Genome position (GRCh38, 1-based): chr1:52,393,578, A>T on the plus strand (T>A on the coding strand, the complement: ORC1 is on the minus strand). VCF-style: chr1-52393578-A-T. GRCh37 (hg19) VCF-style: chr1-52859250-A-T.
Other names: c.947T>A, p.Ile316Lys (NM_001190818.2, NM_001190819.2); c.947T>A (NM_004153.3); short protein forms I316K.
Identifiers: ClinVar variation 1381417 (VCV001381417.8), dbSNP rs148708406, ClinGen allele CA853479.